The following is an entry in ClinVar:

ClinVar aggregate classification (germline): Likely benign. Review status: criteria provided, multiple submitters, no conflicts (2 of 4 stars). 2 submissions from 2 submitters: Likely benign (2). Last evaluated 2026-02-04.

Conditions:
Propionic acidemia (PROP). Also called: KETOTIC HYPERGLYCINEMIA; GLYCINEMIA, KETOTIC; HYPERGLYCINEMIA WITH KETOACIDOSIS AND LEUKOPENIA. Identifiers: Orphanet 35, MedGen C0268579, MONDO:0011628, OMIM 606054, HP:0003571.

Submissions (2):

Labcorp Genetics (formerly Invitae), Labcorp
Classification: Likely benign for Propionic acidemia. Last evaluated: 2026-02-04. Review status: criteria provided, single submitter. Criteria: Invitae Variant Classification Sherloc (09022015). Collection method: clinical testing. Allele origin: germline.

GeneDx
Classification: Likely benign. Last evaluated: 2016-07-14. Review status: criteria provided, single submitter. Criteria: GeneDx Variant Classification (06012015). Collection method: clinical testing. Allele origin: germline. Affected: yes.
Comment: This variant is considered likely benign or benign based on one or more of the following criteria: it is a conservative change, it occurs at a poorly conserved position in the protein, it is predicted to be benign by multiple in silico algorithms, and/or has population frequency not consistent with disease.

NM_000282.4(PCCA):c.1541-19del

Gene: PCCA (propionyl-CoA carboxylase subunit alpha; plus strand). Cytogenetic location: 13q32.3.
Variant type: Deletion.
Coding change: c.1541-19del on transcript NM_000282.4 (MANE Select); 19 bases into the intron before coding-DNA position 1541, one base deleted (G; older notation c.1541-19delG).
Molecular consequence: intron variant.
Genome position (GRCh38, 1-based): chr13:100,340,138, G deleted; the last of 2 consecutive G bases (chr13:100,340,137-100,340,138); deleting either gives the same sequence. VCF-style (leftmost placement, unchanged base first): chr13-100340136-TG-T. GRCh37 (hg19) VCF-style: chr13-100992390-TG-T.
Other names: c.1541-19delG (NM_000282.3); c.1541-19del (NM_001178004.2, NM_001352605.2, NM_001352609.2); c.1397-19del (NM_001352606.2); c.596-19del (NM_001352610.2, NM_001352611.2); c.452-19del (NM_001352612.2); c.1463-19del (NM_001127692.3, NM_001352607.2); c.1319-19del (NM_001352608.2).
Identifiers: ClinVar variation 421533 (VCV000421533.8), dbSNP rs773809966, ClinGen allele CA7033712.